The following is an entry in ClinVar:

ClinVar aggregate classification (germline): Uncertain significance (1 of 4 stars; one submission).

gnomAD v4.1: 4 of 1,614,218 alleles (0.00025%); highest among the groups gnomAD compares: Non-Finnish European, 0.00034%; no homozygotes.

Submission:

GeneDx
Classification: Uncertain significance. Last evaluated: 2026-03-26. Review status: criteria provided, single submitter. Criteria: GeneDx Variant Classification Process June 2021. Collection method: clinical testing. Allele origin: germline.
Comment: Not observed at significant frequency in large population cohorts (gnomAD); In silico analysis supports that this missense variant has a deleterious effect on protein structure/function; Has not been previously published as pathogenic or benign to our knowledge

NM_002474.3(MYH11):c.695A>G (p.Lys232Arg)

Gene: MYH11 (myosin heavy chain 11; minus strand). Cytogenetic location: 16p13.11.
Variant type: single nucleotide variant.
Coding change: c.695A>G on transcript NM_002474.3 (MANE Select); coding-DNA position 695, A replaced by G.
Protein change: p.Lys232Arg; replaces lysine 232 with arginine.
Molecular consequence: missense variant.
Genome position (GRCh38, 1-based): chr16:15,782,416, T>C on the plus strand (A>G on the coding strand, the complement: MYH11 is on the minus strand). VCF-style: chr16-15782416-T-C. GRCh37 (hg19) VCF-style: chr16-15876273-T-C.
Other names: c.716A>G, p.Lys239Arg (NM_001040113.2, NM_001040114.2); c.695A>G, p.Lys232Arg (NM_022844.3); short protein forms K232R, K239R.
Identifiers: ClinVar variation 5017347 (VCV005017347.1).
Genomic context (GRCh38, chr16:15,782,416, plus strand): 5'-TGGAAAATCCATGTGGCTTTGCTACTTACGAATCGTGAGGAGTTGTCGTTCTTCACTGTT[T>C]TGGCGTTGCCGAAAGCCTCCAGAATCGGGTTTGCTTGTAGAAGCTGCTTTTCCAGCTCTC-3'
Protein context (NP_002465.1, residues 222-242): NPILEAFGNA[Lys232Arg]TVKNDNSSRF